The following is an entry in ClinVar:

NM_006070.6(TFG):c.514A>G (p.Lys172Glu)

Gene: TFG (trafficking from ER to golgi regulator; plus strand). Cytogenetic location: 3q12.2.
Variant type: single nucleotide variant.
Coding change: c.514A>G on transcript NM_006070.6 (MANE Select); coding-DNA position 514, A replaced by G.
Protein change: p.Lys172Glu; replaces lysine 172 with glutamic acid.
Molecular consequence: missense variant.
Genome position (GRCh38, 1-based): chr3:100,732,606, A>G. VCF-style: chr3-100732606-A-G. GRCh37 (hg19) VCF-style: chr3-100451450-A-G.
Other names: c.514A>G, p.Lys172Glu (NM_001007565.2, NM_001195478.2, NM_001195479.2); short protein forms K172E.
Identifiers: ClinVar variation 1516829 (VCV001516829.8), dbSNP rs2149082817, ClinGen allele CA353845241.

ClinVar aggregate classification (germline): Uncertain significance (1 of 4 stars; one submission).

Conditions:
Hereditary motor and sensory neuropathy, Okinawa type (HMSNO). Also called: HEREDITARY MOTOR AND SENSORY NEUROPATHY, PROXIMAL TYPE. Identifiers: Orphanet 90117, MedGen C1858338, MONDO:0011468, OMIM 604484.
Hereditary spastic paraplegia 57. Also called: Spastic paraplegia 57, autosomal recessive. Identifiers: Orphanet 431329, MedGen C3714897, MONDO:0014295, OMIM 615658.

Submission:

Labcorp Genetics (formerly Invitae), Labcorp
Classification: Uncertain significance for Hereditary motor and sensory neuropathy, Okinawa type; Hereditary spastic paraplegia 57. Last evaluated: 2021-05-30. Review status: criteria provided, single submitter. Criteria: Invitae Variant Classification Sherloc (09022015). Collection method: clinical testing. Allele origin: germline.
Comment: This sequence change replaces lysine with glutamic acid at codon 172 of the TFG protein (p.Lys172Glu). The lysine residue is highly conserved and there is a small physicochemical difference between lysine and glutamic acid. In summary, the available evidence is currently insufficient to determine the role of this variant in disease. Therefore, it has been classified as a Variant of Uncertain Significance. Algorithms developed to predict the effect of sequence changes on RNA splicing suggest that this variant may create or strengthen a splice site, but this prediction has not been confirmed by published transcriptional studies. Algorithms developed to predict the effect of missense changes on protein structure and function are either unavailable or do not agree on the potential impact of this missense change (SIFT: "Deleterious"; PolyPhen-2: "Possibly Damaging"; Align-GVGD: "Class C0"). This variant has not been reported in the literature in individuals with TFG-related conditions. This variant is not present in population databases (ExAC no frequency).